The following is an entry in ClinVar:

NM_020759.3(STARD9):c.9977T>G (p.Phe3326Cys)

Gene: STARD9 (StAR related lipid transfer domain containing 9; plus strand). Cytogenetic location: 15q15.2.
Variant type: single nucleotide variant.
Coding change: c.9977T>G on transcript NM_020759.3 (MANE Select); coding-DNA position 9977, T replaced by G.
Protein change: p.Phe3326Cys; replaces phenylalanine 3326 with cysteine.
Molecular consequence: missense variant.
Genome position (GRCh38, 1-based): chr15:42,691,555, T>G. VCF-style: chr15-42691555-T-G. GRCh37 (hg19) VCF-style: chr15-42983753-T-G.
Other names: short protein forms F3326C.
Identifiers: ClinVar variation 3046376 (VCV003046376.2), dbSNP rs141034027, ClinGen allele CA7514695.

ClinVar aggregate classification (germline): Likely benign (0 of 4 stars; one submission).

Conditions:
STARD9-related disorder. Also called: STARD9-related condition.

Allele frequency attached by ClinVar (database versions not stated): gnomAD exomes 0.00012; ExAC 0.00040; 1000 Genomes Project 0.00080; 1000 Genomes Project 30x 0.00094; gnomAD 0.00139; TOPMed 0.00162.
gnomAD v4.1: 390 of 1,537,234 alleles (0.025%); highest among the groups gnomAD compares: African/African-American, 0.44%; 2 homozygotes.

Submission:

PreventionGenetics, part of Exact Sciences
Classification: Likely benign for STARD9-related condition. Last evaluated: 2023-02-28. Review status: no assertion criteria provided. Collection method: clinical testing. Allele origin: germline.
Comment: This variant is classified as likely benign based on ACMG/AMP sequence variant interpretation guidelines (Richards et al. 2015 PMID: 25741868, with internal and published modifications).